The following is an entry in ClinVar:

NM_000088.4(COL1A1):c.1517G>A (p.Gly506Asp)

Gene: COL1A1 (collagen type I alpha 1 chain; minus strand). Cytogenetic location: 17q21.33.
Variant type: single nucleotide variant.
Coding change: c.1517G>A on transcript NM_000088.4 (MANE Select); coding-DNA position 1517, G replaced by A.
Protein change: p.Gly506Asp; replaces glycine 506 with aspartic acid.
Molecular consequence: missense variant.
Genome position (GRCh38, 1-based): chr17:50,194,446, C>T on the plus strand (G>A on the coding strand, the complement: COL1A1 is on the minus strand). VCF-style: chr17-50194446-C-T. GRCh37 (hg19) VCF-style: chr17-48271807-C-T.
Other names: short protein forms G506D.
Identifiers: ClinVar variation 2027793 (VCV002027793.4), dbSNP rs2509219436, ClinGen allele CA400217017.

ClinVar aggregate classification (germline): Likely pathogenic (1 of 4 stars; one submission).

Conditions:
Osteogenesis imperfecta type I (OI1). Also called: Lobstein disease; OI, TYPE I; OSTEOGENESIS IMPERFECTA TARDA; OSTEOGENESIS IMPERFECTA WITH BLUE SCLERAE; Osteogenesis imperfecta type 1; Classic Non-deforming Osteogenesis Imperfecta with Blue Sclerae. Identifiers: Orphanet 216796, Orphanet 666, MedGen C0023931, MONDO:0008146, OMIM 166200. Disease mechanism: loss of function.

Submission:

Labcorp Genetics (formerly Invitae), Labcorp
Classification: Likely pathogenic for Osteogenesis imperfecta type I. Last evaluated: 2023-04-24. Review status: criteria provided, single submitter. Criteria: Invitae Variant Classification Sherloc (09022015). Collection method: clinical testing. Allele origin: germline.
Comment: In summary, the currently available evidence indicates that the variant is pathogenic, but additional data are needed to prove that conclusively. Therefore, this variant has been classified as Likely Pathogenic. This variant disrupts the triple helix domain of COL1A1. Glycine residues within the Gly-Xaa-Yaa repeats of the triple helix domain are required for the structure and stability of fibrillar collagens (PMID: 7695699, 8218237, 19344236). In COL1A1, variants affecting these glycine residues are significantly enriched in individuals with disease (PMID: 9016532, 17078022) compared to the general population (ExAC). Experimental studies and prediction algorithms are not available or were not evaluated, and the functional significance of this variant is currently unknown. ClinVar contains an entry for this variant (Variation ID: 2027793). This variant has not been reported in the literature in individuals affected with COL1A1-related conditions. This variant is not present in population databases (gnomAD no frequency). This sequence change replaces glycine, which is neutral and non-polar, with aspartic acid, which is acidic and polar, at codon 506 of the COL1A1 protein (p.Gly506Asp).

Literature cited by the submitters: PubMed 7695699; PubMed 8218237; PubMed 19344236; PubMed 9016532; PubMed 17078022.